The following is an entry in ClinVar:

ClinVar aggregate classification (germline): Pathogenic (1 of 4 stars; one submission).

Conditions:
Kennedy disease (SMAX1). Also called: SPINAL AND BULBAR MUSCULAR ATROPHY, X-LINKED 1; KENNEDY SPINAL AND BULBAR MUSCULAR ATROPHY; Spinal and Bulbar Muscular Atrophy. Identifiers: Orphanet 481, MedGen C1839259, MONDO:0010735, OMIM 313200.
Androgen resistance syndrome (AIS). Also called: DHTR DEFICIENCY; DIHYDROTESTOSTERONE RECEPTOR DEFICIENCY; ANDROGEN RECEPTOR DEFICIENCY; TESTICULAR FEMINIZATION SYNDROME; Androgen insensitivity syndrome; Androgen insensitivity. Identifiers: Orphanet 754, Orphanet 99429, MedGen C0039585, MONDO:0019154, OMIM 300068. Disease mechanism: loss of function.

Submission:

Labcorp Genetics (formerly Invitae), Labcorp
Classification: Pathogenic for Kennedy disease; Androgen resistance syndrome. Last evaluated: 2023-10-05. Review status: criteria provided, single submitter. Criteria: Invitae Variant Classification Sherloc (09022015). Collection method: clinical testing. Allele origin: germline.
Comment: This sequence change creates a premature translational stop signal (p.Gln115Hisfs*3) in the AR gene. It is expected to result in an absent or disrupted protein product. Loss-of-function variants in AR are known to be pathogenic (PMID: 19463997). This variant is not present in population databases (gnomAD no frequency). This variant has not been reported in the literature in individuals affected with AR-related conditions. For these reasons, this variant has been classified as Pathogenic.

Literature cited by the submitters: PubMed 19463997.

NM_000044.6(AR):c.344_345insCAGATGAGGAACAGCA (p.Gln115delinsHisArgTer)

Gene: AR (androgen receptor; plus strand). Cytogenetic location: Xq12.
Variant type: Insertion.
Coding change: c.344_345insCAGATGAGGAACAGCA on transcript NM_000044.6 (MANE Select); coding-DNA positions 344 to 345, CAGATGAGGAACAGCA inserted.
Protein change: p.Gln115delinsHisArgTer.
Molecular consequence: nonsense. On other transcripts: 5 prime UTR variant (1), frameshift variant (1).
Genome position: GRCh38 VCF-style: chrX-67545476-G-GGATGAGGAACAGCACA. GRCh37 (hg19) VCF-style: chrX-66765318-G-GGATGAGGAACAGCACA.
Other names: c.-1440_-1439insCAGATGAGGAACAGCA (NM_001011645.3); c.344_345insCAGATGAGGAACAGCA, p.Gln115delinsHisArgTer (NM_001348061.1, NM_001348063.1, NM_001348064.1); c.344_345insCAGATGAGGAACAGCA, p.Gln115Hisfs (NM_001424175.1).
Identifiers: ClinVar variation 2952522 (VCV002952522.3), dbSNP rs2519601643, ClinGen allele CA2740092167.